The following is an entry in ClinVar:

NM_175914.5(HNF4A):c.*3052G>A

Gene: HNF4A (hepatocyte nuclear factor 4 alpha; plus strand). Cytogenetic location: 20q13.12.
Variant type: single nucleotide variant.
Coding change: c.*3052G>A on transcript NM_175914.5 (MANE Select); 3052 bases downstream of the stop codon, G replaced by A.
Molecular consequence: 3 prime UTR variant.
Genome position (GRCh38, 1-based): chr20:44,432,717, G>A. VCF-style: chr20-44432717-G-A. GRCh37 (hg19) VCF-style: chr20-43061357-G-A.
Other names: c.*3052G>A (NM_000457.6, NM_001030003.3, NM_001258355.2 and 3 more transcripts).
Identifiers: ClinVar variation 897432 (VCV000897432.5), dbSNP rs546761850, ClinGen allele CA315422982.

ClinVar aggregate classification (germline): Conflicting classifications of pathogenicity. Review status: criteria provided, conflicting classifications (1 of 4 stars). 3 submissions from 2 submitters: Uncertain significance (1); Benign (2). Last evaluated 2018-01-12.

Conditions:
Maturity-onset diabetes of the young type 1. Also called: MODY type 1; Diabetes mellitus MODY type 1; MODY HNF4A related; MILD JUVENILE DIABETES MELLITUS; HNF4A-Related Maturity-Onset Diabetes of the Young Type 1; MODY, type I. Identifiers: Orphanet 552, MedGen C1852093, MONDO:0007452, OMIM 125850. Disease mechanism: loss of function.
Maturity-onset diabetes of the young (MODY). Also called: Maturity onset diabetes mellitus in young. Identifiers: Orphanet 552, MedGen C0342276, MONDO:0018911, HP:0004904.
Familial hyperinsulinism. Also called: Congenital hyperinsulinism. Identifiers: Orphanet 276525, MedGen C3888018, MONDO:0017182. Disease mechanism: loss of function.

Allele frequency attached by ClinVar (database versions not stated): gnomAD 0.00001; 1000 Genomes Project 30x 0.00031; 1000 Genomes Project 0.00040.
gnomAD v4.1: 2 of 152,242 alleles (0.0013%); highest among the groups gnomAD compares: South Asian, 0.042%; no homozygotes.

Submissions (3):

Illumina Laboratory Services, Illumina
Classification: Benign for Maturity-onset diabetes of the young type 1. Last evaluated: 2018-01-12. Review status: criteria provided, single submitter. Criteria: ICSL Variant Classification Criteria 13 December 2019. Collection method: clinical testing. Allele origin: germline.
Comment: This variant was observed in the ICSL laboratory as part of a predisposition screen in an ostensibly healthy population. It had not been previously curated by ICSL or reported in the Human Gene Mutation Database (HGMD: prior to June 1st, 2018), and was therefore a candidate for classification through an automated scoring system. Utilizing variant allele frequency, disease prevalence and penetrance estimates, and inheritance mode, an automated score was calculated to assess if this variant is too frequent to cause the disease. Based on the score and internal cut-off values, a variant classified as benign is not then subjected to further curation. The score for this variant resulted in a classification of benign for this disease.

Illumina Laboratory Services, Illumina
Classification: Uncertain significance for Familial hyperinsulinism. Last evaluated: 2018-01-12. Review status: criteria provided, single submitter. Criteria: ICSL Variant Classification Criteria 13 December 2019. Collection method: clinical testing. Allele origin: germline.

Clinical Genomics, Uppaluri K&H Personalized Medicine Clinic
Classification: Benign for Maturity-onset diabetes of the young. Review status: criteria provided, single submitter. Criteria: K & H Uppaluri Personalized Medicine Clinic Variant Classification & Assertion Criteria_Updated V.1. Collection method: research. Allele origin: unknown. Inheritance: Autosomal dominant inheritance.
Comment: Potent mutations in HNF4A are associated with poor insulin secretion in response to hyperglycemia. Associated with MODY1. Patients initially respond well to sulfonylureas but eventually become insulin dependent. However, more evidence is required to ascertain the role of this particular variant rs546761850 in MODY, yet.

Literature cited by the submitters: DOI 10.1159/000334532 (cited by Clinical Genomics, Uppaluri K&H Personalized Medicine Clinic); PubMed 18268044 (cited by Clinical Genomics, Uppaluri K&H Personalized Medicine Clinic); PubMed 17563455 (cited by Clinical Genomics, Uppaluri K&H Personalized Medicine Clinic); PubMed 32583173 (cited by Clinical Genomics, Uppaluri K&H Personalized Medicine Clinic); PubMed 35052457 (cited by Clinical Genomics, Uppaluri K&H Personalized Medicine Clinic); PubMed 35118593 (cited by Clinical Genomics, Uppaluri K&H Personalized Medicine Clinic).